The following is an entry in ClinVar:

NM_031433.4(MFRP):c.1374G>T (p.Leu458Phe)

Genes: C1QTNF5 (C1q and TNF related 5; minus strand), MFRP (membrane frizzled-related protein; minus strand). Cytogenetic location: 11q23.3.
Variant type: single nucleotide variant.
Coding change: c.1374G>T on transcript NM_031433.4 (MANE Select); coding-DNA position 1374, G replaced by T.
Protein change: p.Leu458Phe; replaces leucine 458 with phenylalanine.
Molecular consequence: missense variant. On other transcripts: 5 prime UTR variant (1).
Genome position (GRCh38, 1-based): chr11:119,342,609, C>A on the plus strand (G>T on the coding strand, the complement: MFRP is on the minus strand). VCF-style: chr11-119342609-C-A. GRCh37 (hg19) VCF-style: chr11-119213319-C-A.
Other names: c.-1263G>T (NM_015645.5); short protein forms L458F.
Identifiers: ClinVar variation 261961 (VCV000261961.46), dbSNP rs145881139, ClinGen allele CA6320131.
Genomic context (GRCh38, chr11:119,342,609, plus strand): 5'-AGGTGGGCACCCAGCCTGCTCAGGGTCCCCAGGGGCAGGCTTCTCACCTGGGGGTGGGAA[C>A]AAGGGGCCGCTGCAGTTGTCATCGCTGCCATCGGTGCAGTCTCTCCACATGTCACACATC-3'
Protein context (NP_113621.1, residues 448-468): DGSDDNCSGP[Leu458Phe]FPPPELACEP

ClinVar aggregate classification (germline): Benign/Likely benign. Review status: criteria provided, multiple submitters, no conflicts (2 of 4 stars). 4 submissions from 4 submitters: Benign (2); Likely benign (2). Last evaluated 2026-06-01.

Conditions:
Isolated microphthalmia 5. Also called: Posterior Microphthalmia with Retinitis Pigmentosa, Foveoschisis, and Optic Disc Drusen. Identifiers: Orphanet 251279, MedGen C1970236, MONDO:0012605, OMIM 611040.

Allele frequency attached by ClinVar (database versions not stated): gnomAD 0.00883 and 0.00888; TOPMed 0.00956; 1000 Genomes Project 0.00699; gnomAD exomes 0.00797 and 0.00818; ExAC 0.00854; 1000 Genomes Project 30x 0.00750; ESP Exome Variant Server 0.00924.
gnomAD v4.1: 13,173 of 1,613,338 alleles (0.82%); highest among the groups gnomAD compares: Middle Eastern, 3.3%; 87 homozygotes.

Submissions (4):

CeGaT Center for Human Genetics Tuebingen
Classification: Benign. Last evaluated: 2026-06-01. Review status: criteria provided, single submitter. Criteria: CeGaT Center For Human Genetics Tuebingen Variant Classification Criteria Version 2. Collection method: clinical testing. Allele origin: germline. Affected: yes. Observed: 8 variant alleles.
Comment: MFRP: BP4, BS1, BS2; C1QTNF5: BS1, BS2

Labcorp Genetics (formerly Invitae), Labcorp
Classification: Benign for Isolated microphthalmia 5. Last evaluated: 2026-02-02. Review status: criteria provided, single submitter. Criteria: Invitae Variant Classification Sherloc (09022015). Collection method: clinical testing. Allele origin: germline.

Breakthrough Genomics
Classification: Likely benign. Review status: criteria provided, single submitter. Criteria: ACMG Guidelines, 2015. Collection method: not provided. Allele origin: germline. Inheritance: Autosomal recessive inheritance. Affected: yes.

PreventionGenetics, part of Exact Sciences
Classification: Likely benign. Review status: criteria provided, single submitter. Criteria: ACMG Guidelines, 2015. Collection method: clinical testing. Allele origin: germline.